The following is an entry in ClinVar:

NM_182961.4(SYNE1):c.5710T>A (p.Leu1904Met)

Gene: SYNE1 (spectrin repeat containing nuclear envelope protein 1; minus strand). Cytogenetic location: 6q25.2.
Variant type: single nucleotide variant.
Coding change: c.5710T>A on transcript NM_182961.4 (MANE Select); coding-DNA position 5710, T replaced by A.
Protein change: p.Leu1904Met; replaces leucine 1904 with methionine.
Molecular consequence: missense variant.
Genome position (GRCh38, 1-based): chr6:152,416,727, A>T on the plus strand (T>A on the coding strand, the complement: SYNE1 is on the minus strand). VCF-style: chr6-152416727-A-T. GRCh37 (hg19) VCF-style: chr6-152737862-A-T.
Other names: c.5731T>A, p.Leu1911Met (NM_033071.5); c.5731T>A (NM_033071.3); short protein forms L1904M, L1911M.
Identifiers: ClinVar variation 500933 (VCV000500933.10), dbSNP rs372724272, ClinGen allele CA4058227.
Genomic context (GRCh38, chr6:152,416,727, plus strand): 5'-CGGCAGCAGATTCTAATGCTTTAGCATTTTGAAGAGCATCATTGAGGTCCTTTTCTATCA[A>T]ATCAGACTCGTTCTTATTCATACTGTTGGTTGCTTCCACTGTTTGCCTCAGCTGGCGGAG-3'
Protein context (NP_892006.3, residues 1894-1914): TNSMNKNESD[Leu1904Met]IEKDLNDALQ

ClinVar aggregate classification (germline): Uncertain significance. Review status: criteria provided, multiple submitters, no conflicts (2 of 4 stars). 5 submissions from 5 submitters: Uncertain significance (5). Last evaluated 2025-05-19.

Conditions:
Emery-Dreifuss muscular dystrophy 4, autosomal dominant (EDMD4). Also called: EMERY-DREIFUSS MUSCULAR DYSTROPHY 4 WITH VARIABLE FEATURES. Identifiers: Orphanet 261, MedGen C2751807, MONDO:0013071, OMIM 612998.
Autosomal recessive ataxia, Beauce type. Also called: SYNE1 Deficiency; Spinocerebellar ataxia, autosomal recessive 8; ATAXIA, RECESSIVE, OF BEAUCE; SYNE1-Related Autosomal Recessive Cerebellar Ataxia. Identifiers: Orphanet 88644, MedGen C1853116, MONDO:0012549, OMIM 610743.

Allele frequency attached by ClinVar (database versions not stated): ExAC 0.00002; gnomAD 0.00002; TOPMed 0.00002; gnomAD exomes 0.00003; ESP Exome Variant Server 0.00008.
gnomAD v4.1: 18 of 1,614,068 alleles (0.0011%); highest among the groups gnomAD compares: Middle Eastern, 0.016%; no homozygotes.

Submissions (5):

Revvity Omics, Revvity
Classification: Uncertain significance. Last evaluated: 2025-05-19. Review status: criteria provided, single submitter. Criteria: ACMG Guidelines, 2015. Collection method: clinical testing. Allele origin: germline.

GeneDx
Classification: Uncertain significance. Last evaluated: 2024-09-05. Review status: criteria provided, single submitter. Criteria: GeneDx Variant Classification Process June 2021. Collection method: clinical testing. Allele origin: germline. Affected: yes.
Comment: Not observed at significant frequency in large population cohorts (gnomAD); In silico analysis indicates that this missense variant does not alter protein structure/function; Has not been previously published as pathogenic or benign to our knowledge

Labcorp Genetics (formerly Invitae), Labcorp
Classification: Uncertain significance for Emery-Dreifuss muscular dystrophy 4, autosomal dominant; Autosomal recessive ataxia, Beauce type. Last evaluated: 2022-07-15. Review status: criteria provided, single submitter. Criteria: Invitae Variant Classification Sherloc (09022015). Collection method: clinical testing. Allele origin: germline.
Comment: This sequence change replaces leucine, which is neutral and non-polar, with methionine, which is neutral and non-polar, at codon 1911 of the SYNE1 protein (p.Leu1911Met). This variant is present in population databases (rs372724272, gnomAD 0.005%). In summary, the available evidence is currently insufficient to determine the role of this variant in disease. Therefore, it has been classified as a Variant of Uncertain Significance. Algorithms developed to predict the effect of missense changes on protein structure and function (SIFT, PolyPhen-2, Align-GVGD) all suggest that this variant is likely to be tolerated. ClinVar contains an entry for this variant (Variation ID: 500933). This variant has not been reported in the literature in individuals affected with SYNE1-related conditions.

Athena Diagnostics
Classification: Uncertain significance. Last evaluated: 2021-10-26. Review status: criteria provided, single submitter. Criteria: Athena Diagnostics Criteria. Collection method: clinical testing. Allele origin: unknown.

Eurofins Ntd Llc (ga)
Classification: Uncertain significance. Last evaluated: 2017-03-21. Review status: criteria provided, single submitter. Criteria: EGL Classification Definitions 2015. Collection method: clinical testing. Allele origin: germline. Observed: 1 variant allele, 1 heterozygote.